The following is an entry in ClinVar:

ClinVar aggregate classification (germline): Pathogenic (1 of 4 stars; one submission).

Conditions:
Neurofibromatosis, type 1 (NF1). Also called: VON RECKLINGHAUSEN DISEASE; Peripheral type neurofibromatosis; NEUROFIBROMATOSIS, TYPE I, SOMATIC; Neurofibromatosis, type I. Identifiers: Orphanet 636, MedGen C0027831, MONDO:0018975, OMIM 162200. Disease mechanism: loss of function.

Submission:

Labcorp Genetics (formerly Invitae), Labcorp
Classification: Pathogenic for Neurofibromatosis, type 1. Last evaluated: 2024-04-24. Review status: criteria provided, single submitter. Criteria: Invitae Variant Classification Sherloc (09022015). Collection method: clinical testing. Allele origin: germline.
Comment: This sequence change creates a premature translational stop signal (p.Ser883*) in the NF1 gene. It is expected to result in an absent or disrupted protein product. Loss-of-function variants in NF1 are known to be pathogenic (PMID: 10712197, 23913538). This variant is not present in population databases (gnomAD no frequency). This variant has not been reported in the literature in individuals affected with NF1-related conditions. ClinVar contains an entry for this variant (Variation ID: 1074410). For these reasons, this variant has been classified as Pathogenic.

Literature cited by the submitters: PubMed 10712197; PubMed 23913538.

NM_001042492.3(NF1):c.2648C>A (p.Ser883Ter)

Gene: NF1 (neurofibromin 1; plus strand). Cytogenetic location: 17q11.2.
Variant type: single nucleotide variant.
Coding change: c.2648C>A on transcript NM_001042492.3 (MANE Select); coding-DNA position 2648, C replaced by A.
Protein change: p.Ser883Ter; replaces serine 883 with a stop codon.
Molecular consequence: nonsense.
Genome position (GRCh38, 1-based): chr17:31,229,263, C>A. VCF-style: chr17-31229263-C-A. GRCh37 (hg19) VCF-style: chr17-29556281-C-A.
Other names: c.2648C>A, p.Ser883Ter (NM_000267.4); short protein forms S883*.
Identifiers: ClinVar variation 1074410 (VCV001074410.5), dbSNP rs2151429346, ClinGen allele CA398984698.